The following is an entry in ClinVar:

ClinVar aggregate classification (germline): Uncertain significance (1 of 4 stars; one submission).

Conditions:
Hereditary spastic paraplegia 30. Identifiers: Orphanet 101010, MedGen C5235139, MONDO:0012476.
Neuropathy, hereditary sensory, type 2C. Also called: Hereditary sensory and autonomic neuropathy type IIC; KIF1A-Related HSAN2 (HSAN2C). Identifiers: Orphanet 970, MedGen C3280168, MONDO:0013634, OMIM 614213.
Intellectual disability, autosomal dominant 9 (NESCAVS). Also called: NESCAV SYNDROME; KIF1A-Related Neurodevelopmental Disorder. Identifiers: Orphanet 662367, MedGen C5393830, MONDO:0013656, OMIM 614255.

Submission:

Labcorp Genetics (formerly Invitae), Labcorp
Classification: Uncertain significance for Hereditary spastic paraplegia 30; Neuropathy, hereditary sensory, type 2C; Intellectual disability, autosomal dominant 9. Last evaluated: 2019-01-26. Review status: criteria provided, single submitter. Criteria: Invitae Variant Classification Sherloc (09022015). Collection method: clinical testing. Allele origin: germline.
Comment: This sequence change replaces arginine with leucine at codon 1345 of the KIF1A protein (p.Arg1345Leu). The arginine residue is highly conserved and there is a moderate physicochemical difference between arginine and leucine. In summary, the available evidence is currently insufficient to determine the role of this variant in disease. Therefore, it has been classified as a Variant of Uncertain Significance. Algorithms developed to predict the effect of missense changes on protein structure and function are either unavailable or do not agree on the potential impact of this missense change (SIFT: "Deleterious"; PolyPhen-2: "Probably Damaging"; Align-GVGD: "Class C0"). This variant has not been reported in the literature in individuals with KIF1A-related conditions. This variant is not present in population databases (ExAC no frequency).

NM_001244008.2(KIF1A):c.4337G>T (p.Arg1446Leu)

Gene: KIF1A (kinesin family member 1A; minus strand). Cytogenetic location: 2q37.3.
Variant type: single nucleotide variant.
Coding change: c.4337G>T on transcript NM_001244008.2 (MANE Select); coding-DNA position 4337, G replaced by T.
Protein change: p.Arg1446Leu; replaces arginine 1446 with leucine.
Molecular consequence: missense variant.
Genome position (GRCh38, 1-based): chr2:240,723,540, C>A on the plus strand (G>T on the coding strand, the complement: KIF1A is on the minus strand). VCF-style: chr2-240723540-C-A. GRCh37 (hg19) VCF-style: chr2-241662957-C-A.
Other names: c.4061G>T, p.Arg1354Leu (NM_001320705.2, NM_001379649.1); c.4088G>T, p.Arg1363Leu (NM_001330289.2); c.4136G>T, p.Arg1379Leu (NM_001330290.2, NM_001379648.1); c.4412G>T, p.Arg1471Leu (NM_001379631.1); c.4313G>T, p.Arg1438Leu (NM_001379632.1); c.4310G>T, p.Arg1437Leu (NM_001379633.1, NM_001379645.1); c.4163G>T, p.Arg1388Leu (NM_001379634.1); c.4160G>T, p.Arg1387Leu (NM_001379635.1, NM_001379646.1); and 7 more; short protein forms R1345L, R1354L, R1363L, R1379L, R1446L, R1344L, R1353L, R1370L.
Identifiers: ClinVar variation 841173 (VCV000841173.10), dbSNP rs1337924125, ClinGen allele CA351305642.